The following is an entry in ClinVar:

NM_001122681.2(SH3BP2):c.914C>A (p.Pro305Gln)

Gene: SH3BP2 (SH3 domain binding protein 2; plus strand). Cytogenetic location: 4p16.3.
Variant type: single nucleotide variant.
Coding change: c.914C>A on transcript NM_001122681.2 (MANE Select); coding-DNA position 914, C replaced by A.
Protein change: p.Pro305Gln; replaces proline 305 with glutamine.
Molecular consequence: missense variant.
Genome position (GRCh38, 1-based): chr4:2,829,820, C>A. VCF-style: chr4-2829820-C-A. GRCh37 (hg19) VCF-style: chr4-2831547-C-A.
Other names: c.998C>A, p.Pro333Gln (NM_001145855.2); c.1085C>A, p.Pro362Gln (NM_001145856.2); c.914C>A, p.Pro305Gln (NM_003023.4); short protein forms P305Q, P333Q, P362Q.
Identifiers: ClinVar variation 3664777 (VCV003664777.2).

ClinVar aggregate classification (germline): Uncertain significance (1 of 4 stars; one submission).

Conditions:
Fibrous dysplasia of jaw (CRBM). Also called: Cherubism. Identifiers: Orphanet 184, MedGen C0008029, MONDO:0007315, OMIM 118400.

Submission:

Labcorp Genetics (formerly Invitae), Labcorp
Classification: Uncertain significance for Fibrous dysplasia of jaw. Last evaluated: 2025-03-26. Review status: criteria provided, single submitter. Criteria: Invitae Variant Classification Sherloc (09022015). Collection method: clinical testing. Allele origin: germline.
Comment: This sequence change replaces proline, which is neutral and non-polar, with glutamine, which is neutral and polar, at codon 305 of the SH3BP2 protein (p.Pro305Gln). This variant is not present in population databases (gnomAD no frequency). This variant has not been reported in the literature in individuals affected with SH3BP2-related conditions. Invitae Evidence Modeling of protein sequence and biophysical properties (such as structural, functional, and spatial information, amino acid conservation, physicochemical variation, residue mobility, and thermodynamic stability) indicates that this missense variant is not expected to disrupt SH3BP2 protein function with a negative predictive value of 80%. In summary, the available evidence is currently insufficient to determine the role of this variant in disease. Therefore, it has been classified as a Variant of Uncertain Significance.